The following is an entry in ClinVar:

NM_000038.6(APC):c.6256C>G (p.Pro2086Ala)

Gene: APC (APC regulator of Wnt signaling pathway; plus strand). Cytogenetic location: 5q22.2.
Variant type: single nucleotide variant.
Coding change: c.6256C>G on transcript NM_000038.6 (MANE Select); coding-DNA position 6256, C replaced by G.
Protein change: p.Pro2086Ala; replaces proline 2086 with alanine.
Molecular consequence: missense variant.
Genome position (GRCh38, 1-based): chr5:112,841,850, C>G. VCF-style: chr5-112841850-C-G. GRCh37 (hg19) VCF-style: chr5-112177547-C-G.
Other names: c.6181C>G, p.Pro2061Ala (NM_001354898.2); c.6172C>G, p.Pro2058Ala (NM_001354899.2); c.6133C>G, p.Pro2045Ala (NM_001354900.2); c.6079C>G, p.Pro2027Ala (NM_001354901.2); c.5983C>G, p.Pro1995Ala (NM_001354902.2); c.5953C>G, p.Pro1985Ala (NM_001354903.2); c.5878C>G, p.Pro1960Ala (NM_001354904.2); c.5776C>G, p.Pro1926Ala (NM_001354905.2); and 5 more; short protein forms P2086A, P2068A, P1960A, P2045A, P1926A, P1995A, P2061A, P2104A.
Identifiers: ClinVar variation 470038 (VCV000470038.16), dbSNP rs780667260, ClinGen allele CA044235.

ClinVar aggregate classification (germline): Conflicting classifications of pathogenicity. Review status: criteria provided, conflicting classifications (1 of 4 stars). 3 submissions from 3 submitters: Uncertain significance (2); Likely benign (1). Last evaluated 2025-06-02.

Conditions:
Familial adenomatous polyposis 1 (FAP1). Also called: POLYPOSIS, ADENOMATOUS INTESTINAL; FAMILIAL ADENOMATOUS POLYPOSIS 1, ATTENUATED. Identifiers: MedGen C2713442, MONDO:0021056, OMIM 175100. Disease mechanism: loss of function.
Hereditary cancer-predisposing syndrome. Also called: Hereditary neoplastic syndrome; Neoplastic Syndromes, Hereditary; Tumor predisposition; Hereditary Cancer Syndrome. Identifiers: Orphanet 140162, MedGen C0027672, MeSH D009386, MONDO:0015356.

Allele frequency attached by ClinVar (database versions not stated): ExAC 0.00001; gnomAD exomes 0.00001.
gnomAD v4.1: 11 of 1,613,754 alleles (0.00068%); highest among the groups gnomAD compares: South Asian, 0.012%; no homozygotes.

Submissions (3):

Labcorp Genetics (formerly Invitae), Labcorp
Classification: Uncertain significance for Familial adenomatous polyposis 1. Last evaluated: 2025-06-02. Review status: criteria provided, single submitter. Criteria: Invitae Variant Classification Sherloc (09022015). Collection method: clinical testing. Allele origin: germline.
Comment: This sequence change replaces proline, which is neutral and non-polar, with alanine, which is neutral and non-polar, at codon 2086 of the APC protein (p.Pro2086Ala). This variant is present in population databases (rs780667260, gnomAD 0.01%). This variant has not been reported in the literature in individuals affected with APC-related conditions. ClinVar contains an entry for this variant (Variation ID: 470038). Invitae Evidence Modeling of protein sequence and biophysical properties (such as structural, functional, and spatial information, amino acid conservation, physicochemical variation, residue mobility, and thermodynamic stability) indicates that this missense variant is not expected to disrupt APC protein function with a negative predictive value of 95%. In summary, the available evidence is currently insufficient to determine the role of this variant in disease. Therefore, it has been classified as a Variant of Uncertain Significance.

Color Diagnostics, LLC DBA Color Health
Classification: Uncertain significance for Hereditary cancer-predisposing syndrome. Last evaluated: 2023-12-05. Review status: criteria provided, single submitter. Criteria: ACMG Guidelines, 2015. Collection method: clinical testing. Allele origin: germline.
Comment: This missense variant replaces proline with alanine at codon 2086 of the APC protein. Computational prediction suggests that this variant may not impact protein structure and function (internally defined REVEL score threshold <= 0.5, PMID: 27666373). To our knowledge, functional studies have not been reported for this variant. This variant has not been reported in individuals affected with APC-related disorders in the literature. This variant has been identified in 3/250590 chromosomes in the general population by the Genome Aggregation Database (gnomAD). The available evidence is insufficient to determine the role of this variant in disease conclusively. Therefore, this variant is classified as a Variant of Uncertain Significance.

Ambry Genetics
Classification: Likely benign for Hereditary cancer-predisposing syndrome. Last evaluated: 2022-08-29. Review status: criteria provided, single submitter. Criteria: Ambry Variant Classification Scheme 2023. Collection method: clinical testing. Allele origin: germline.